The following is an entry in ClinVar:

NM_207352.4(CYP4V2):c.130T>A (p.Trp44Arg)

Gene: CYP4V2 (cytochrome P450 family 4 subfamily V member 2; plus strand). Cytogenetic location: 4q35.1.
Variant type: single nucleotide variant.
Coding change: c.130T>A on transcript NM_207352.4 (MANE Select); coding-DNA position 130, T replaced by A.
Protein change: p.Trp44Arg; replaces tryptophan 44 with arginine.
Molecular consequence: missense variant.
Genome position (GRCh38, 1-based): chr4:186,191,953, T>A. VCF-style: chr4-186191953-T-A. GRCh37 (hg19) VCF-style: chr4-187113107-T-A.
Other names: c.424T>A; short protein forms W44R.
Identifiers: ClinVar variation 2187 (VCV000002187.12), dbSNP rs119103282, ClinGen allele CA339954.
Genomic context (GRCh38, chr4:186,191,953, plus strand): 5'-CTGGCCGGCGCCAGTCTGGTCCTGAGCCTGCTGCAGAGGGTGGCGAGCTACGCGCGGAAA[T>A]GGCAGCAGATGCGGCCCATCCCCACGGTGGCCCGCGCCTACCCACTGGTGGGCCACGCGC-3'
Protein context (NP_997235.3, residues 34-54): LQRVASYARK[Trp44Arg]QQMRPIPTVA

ClinVar aggregate classification (germline): Conflicting classifications of pathogenicity. Review status: criteria provided, conflicting classifications (1 of 4 stars). 5 submissions from 5 submitters: Uncertain significance (2); Likely benign (1). 2 of the submissions do not count toward it. Last evaluated 2024-11-01.

Conditions:
Retinal dystrophy. Also called: Inherited retinal dystrophy. Identifiers: Orphanet 71862, MedGen C0854723, MeSH D058499, MONDO:0019118, HP:0000556.
Bietti crystalline corneoretinal dystrophy (BCD). Also called: BIETTI TAPETORETINAL DEGENERATION WITH MARGINAL CORNEAL DYSTROPHY; Bietti Crystalline Dystrophy. Identifiers: Orphanet 41751, MedGen C1859486, MONDO:0008865, OMIM 210370.

Allele frequency attached by ClinVar (database versions not stated): gnomAD 0.00023 and 0.00024; TOPMed 0.00028; 1000 Genomes Project 30x 0.00031.

Submissions (5):

Labcorp Genetics (formerly Invitae), Labcorp
Classification: Uncertain significance. Last evaluated: 2024-11-01. Review status: criteria provided, single submitter. Criteria: Invitae Variant Classification Sherloc (09022015). Collection method: clinical testing. Allele origin: germline.
Comment: This sequence change replaces tryptophan, which is neutral and slightly polar, with arginine, which is basic and polar, at codon 44 of the CYP4V2 protein (p.Trp44Arg). This variant is present in population databases (rs119103282, gnomAD 0.08%). This missense change has been observed in individual(s) with Bietti crystalline corneoretinal dystrophy (PMID: 15042513, 28051075). ClinVar contains an entry for this variant (Variation ID: 2187). Invitae Evidence Modeling of protein sequence and biophysical properties (such as structural, functional, and spatial information, amino acid conservation, physicochemical variation, residue mobility, and thermodynamic stability) has been performed for this missense variant. However, the output from this modeling did not meet the statistical confidence thresholds required to predict the impact of this variant on CYP4V2 protein function. In summary, the available evidence is currently insufficient to determine the role of this variant in disease. Therefore, it has been classified as a Variant of Uncertain Significance.

Blueprint Genetics
Classification: Likely benign. Last evaluated: 2024-06-05. Review status: criteria provided, single submitter. Criteria: ACMG Guidelines, 2015. Collection method: clinical testing. Allele origin: germline.

Institute of Human Genetics, Univ. Regensburg, Univ. Regensburg
Classification: Uncertain significance for Retinal dystrophy. Last evaluated: 2021-01-01. Review status: criteria provided, single submitter. Criteria: ACMG Guidelines, 2015. Collection method: clinical testing. Allele origin: germline. Affected: yes.

GeneReviews
Classification: Pathogenic for Bietti Crystalline Dystrophy. Last evaluated: 2012-04-12. Review status: no assertion criteria provided. Collection method: curation. Allele origin: unknown. Not counted in ClinVar's aggregate classification.
ClinVar note: Converted during submission from pathologic to Pathogenic.

OMIM
Classification: Pathogenic for BIETTI CRYSTALLINE CORNEORETINAL DYSTROPHY. Last evaluated: 2004-05-01. Review status: no assertion criteria provided. Collection method: literature only. Allele origin: germline. Not counted in ClinVar's aggregate classification.

Literature cited by the submitters: PubMed 15042513 (cited by 3 submitters); PubMed 28051075 (cited by Labcorp Genetics (formerly Invitae), Labcorp); PubMed 31589614 (cited by Institute of Human Genetics, Univ. Regensburg, Univ. Regensburg); PubMed 31964843 (cited by Institute of Human Genetics, Univ. Regensburg, Univ. Regensburg).